The following is an entry in ClinVar:

NM_020436.5(SALL4):c.1975_1988del (p.Leu658_Pro659insTer)

Gene: SALL4 (spalt like transcription factor 4; minus strand). Cytogenetic location: 20q13.2.
Variant type: Deletion.
Coding change: c.1975_1988del on transcript NM_020436.5 (MANE Select); coding-DNA positions 1975 to 1988, 14 bases deleted (CCAGAGAATCCCTG).
Protein change: p.Leu658_Pro659insTer.
Molecular consequence: nonsense. On other transcripts: intron variant (1).
Genome position (GRCh38, 1-based): chr20:51,790,495-51,790,508, CAGGGATTCTCTGG deleted on the plus strand (CCAGAGAATCCCTG on the coding strand, the reverse complement: SALL4 is on the minus strand); deleting any 14 consecutive bases within chr20:51,790,495-51,790,513 gives the same sequence; the c. name uses the placement nearest the transcript's 3' end. VCF-style (leftmost placement, unchanged base first): chr20-51790494-ACAGGGATTCTCTGG-A. GRCh37 (hg19) VCF-style: chr20-50407033-ACAGGGATTCTCTGG-A.
Other names: c.1150+825_1150+838del (NM_001318031.2).
Identifiers: ClinVar variation 3256872 (VCV003256872.1).
Genomic context (GRCh38, chr20:51,790,494, plus strand): 5'-GCAGATAGCGCCGGTGCTGCCGTTCTCACCCACGGTCATTGGCTCAGAACCCGTAAAGTC[ACAGGGATTCTCTGG>A]CAGGGGCGTGTTGGGAATCTGACCGCCCATGTGCATCCGAATATGTTGCTGCAGCATCAC-3'

ClinVar aggregate classification (germline): Likely pathogenic (1 of 4 stars; one submission).

Conditions:
Duane-radial ray syndrome (DRRS). Also called: ACRORENOOCULAR SYNDROME; DR SYNDROME; DUANE ANOMALY WITH RADIAL RAY ABNORMALITIES AND DEAFNESS; Okihiro Syndrome; Duane-Radial Ray Syndrome/Okihiro Syndrome; Duane-Radial Ray Syndrome (DRRS) / Okihiro Syndrome. Identifiers: Orphanet 93293, Orphanet 959, MedGen C1623209, MONDO:0011812, OMIM 607323. Disease mechanism: gain of function.

Submission:

MVZ Medizinische Genetik Mainz
Classification: Likely pathogenic for Duane-radial ray syndrome. Last evaluated: 2024-06-06. Review status: criteria provided, single submitter. Criteria: UK Practice Guidelines For Variant Classification V4 01 2020. Collection method: clinical testing. Allele origin: germline. Inheritance: Autosomal dominant inheritance. Affected: yes. Observed: 1 variant allele.
Comment: ACMG Criteria: PVS1,PM2_SUP